The following is an entry in ClinVar:

ClinVar aggregate classification (germline): Pathogenic. Review status: criteria provided, multiple submitters, no conflicts (2 of 4 stars). 8 submissions from 8 submitters: Pathogenic (6). 2 of the submissions do not count toward it. Last evaluated 2025-04-17.

Conditions:
Deafness. Identifiers: MedGen C0011053.
Usher syndrome. Also called: Usher Syndromes; Usher's syndrome. Identifiers: Orphanet 886, MedGen CN469326, MeSH D052245, MONDO:0019501. Disease mechanism: loss of function.
USH2A-related disorder. Also called: USH2A-related disorders; USH2A-related condition. Identifiers: MedGen CN239332.
Usher syndrome type 2A. Also called: RETINAL DISEASE IN USHER SYNDROME TYPE IIA, MODIFIER OF; USHER SYNDROME, TYPE IIA. Identifiers: Orphanet 231178, Orphanet 886, MedGen C1848634, MONDO:0010169, OMIM 276901.
Retinitis pigmentosa 39 (RP39). Identifiers: Orphanet 791, MedGen C3151138, MONDO:0013436, OMIM 613809.
Hearing loss, autosomal recessive. Also called: Deafness, autosomal recessive; Rare autosomal recessive non-syndromic sensorineural deafness type DFNB; Autosomal recessive nonsyndromic deafness; Nonsyndromic Hearing Loss, Recessive. Identifiers: Orphanet 90635, Orphanet 90636, MedGen C1846647, MONDO:0019588, OMIM 607197.

Allele frequency attached by ClinVar (database versions not stated): gnomAD exomes below 0.00001; ExAC 0.00001.
gnomAD v4.1: 2 of 1,614,126 alleles (0.00012%); highest among the groups gnomAD compares: South Asian, 0.0022%; no homozygotes.

Submissions (8):

Labcorp Genetics (formerly Invitae), Labcorp
Classification: Pathogenic. Last evaluated: 2025-04-17. Review status: criteria provided, single submitter. Criteria: Invitae Variant Classification Sherloc (09022015). Collection method: clinical testing. Allele origin: germline.
Comment: This sequence change creates a premature translational stop signal (p.Gln1221*) in the USH2A gene. It is expected to result in an absent or disrupted protein product. Loss-of-function variants in USH2A are known to be pathogenic (PMID: 10729113, 10909849, 20507924, 25649381). This variant is present in population databases (rs767797828, gnomAD 0.003%). This premature translational stop signal has been observed in individual(s) with hearing loss (PMID: 30303587). ClinVar contains an entry for this variant (Variation ID: 560919). For these reasons, this variant has been classified as Pathogenic.

Women's Health and Genetics/Laboratory Corporation of America, LabCorp
Classification: Pathogenic for Usher syndrome. Last evaluated: 2025-01-07. Review status: criteria provided, single submitter. Criteria: LabCorp Variant Classification Summary - May 2015. Collection method: clinical testing. Allele origin: germline.
Comment: Variant summary: USH2A c.3661C>T (p.Gln1221X) results in a premature termination codon, predicted to cause a truncation of the encoded protein or absence of the protein due to nonsense mediated decay, which are commonly known mechanisms for disease. The variant allele was found at a frequency of 4e-06 in 251108 control chromosomes. c.3661C>T has been reported in the literature in individual(s) affected with hearing loss (Richard_2019). These report(s) do not provide unequivocal conclusions about association of the variant with Usher Syndrome. To our knowledge, no experimental evidence demonstrating an impact on protein function has been reported. The following publication have been ascertained in the context of this evaluation (PMID: 30303587). ClinVar contains an entry for this variant (Variation ID: 560919). Based on the evidence outlined above, the variant was classified as pathogenic.

Natera, Inc.
Classification: Pathogenic for Usher syndrome type 2A. Last evaluated: 2024-12-05. Review status: criteria provided, single submitter. Criteria: Natera Variant Classification Schema (03/2026). Collection method: clinical testing. Allele origin: germline.
Comment: The c.3661C>T variant in USH2A is a nonsense variant predicted to introduce a stop codon at amino acid 1221. This variant is expected to result in nonsense mediated decay, truncation, or a dysfunctional protein product. This variant is rare in the general population with a frequency below the threshold expected for the associated phenotype(s). This variant has been observed in one or more individuals affected with the associated recessive disease, as either homozygous or compound heterozygous with a second variant (PMID: 30303587, 38219857). Given the available evidence, this variant is classified as Pathogenic.

Fulgent Genetics
Classification: Pathogenic for Usher syndrome type 2A; Retinitis pigmentosa 39. Last evaluated: 2024-03-07. Review status: criteria provided, single submitter. Criteria: ACMG Guidelines, 2015. Collection method: clinical testing. Allele origin: germline.

Baylor Genetics
Classification: Pathogenic for Retinitis pigmentosa 39. Last evaluated: 2022-05-09. Review status: criteria provided, single submitter. Criteria: ACMG Guidelines, 2015. Collection method: clinical testing. Allele origin: unknown.

Blueprint Genetics
Classification: Pathogenic for USH2A-related disorders. Last evaluated: 2021-08-30. Review status: criteria provided, single submitter. Criteria: ACMG Guidelines, 2015. Collection method: clinical testing. Allele origin: germline. Affected: yes. Observed: 3 variant alleles.

Center for Statistical Genetics, Columbia University
Classification: Pathogenic for Deafness. Last evaluated: 2018-09-10. Review status: no assertion criteria provided. Collection method: research. Allele origin: inherited. Affected: yes. Not counted in ClinVar's aggregate classification.
Comment: Autosomal recessive

University of Washington Center for Mendelian Genomics, University of Washington
Classification: Likely pathogenic for non-syndromic autosomal recessive hearing loss. Review status: no assertion criteria provided. Collection method: research. Allele origin: inherited. Affected: yes. Not counted in ClinVar's aggregate classification.

Literature cited by the submitters: PubMed 10729113 (cited by Labcorp Genetics (formerly Invitae), Labcorp); PubMed 10909849 (cited by Labcorp Genetics (formerly Invitae), Labcorp); PubMed 20507924 (cited by Labcorp Genetics (formerly Invitae), Labcorp); PubMed 25649381 (cited by Labcorp Genetics (formerly Invitae), Labcorp); PubMed 30303587 (cited by 4 submitters); PubMed 38219857 (cited by Natera, Inc.).

NM_206933.4(USH2A):c.3661C>T (p.Gln1221Ter)

Genes: USH2A (usherin; minus strand), USH2A-AS1 (USH2A antisense RNA 1; plus strand). Cytogenetic location: 1q41.
Variant type: single nucleotide variant.
Coding change: c.3661C>T on transcript NM_206933.4 (MANE Select); coding-DNA position 3661, C replaced by T.
Protein change: p.Gln1221Ter; replaces glutamine 1221 with a stop codon.
Molecular consequence: nonsense.
Genome position (GRCh38, 1-based): chr1:216,199,777, G>A on the plus strand (C>T on the coding strand, the complement: USH2A is on the minus strand). VCF-style: chr1-216199777-G-A. GRCh37 (hg19) VCF-style: chr1-216373119-G-A.
Other names: c.3661C>T, p.Gln1221Ter (NM_007123.6); short protein forms Q1221*.
Identifiers: ClinVar variation 560919 (VCV000560919.17), dbSNP rs767797828, ClinGen allele CA1395949.